The following is an entry in ClinVar:

ClinVar aggregate classification (germline): Pathogenic (1 of 4 stars; one submission).

Conditions:
Familial adenomatous polyposis 4 (FAP4). Also called: MSH3-related attenuated familial adenomatous polyposis. Identifiers: Orphanet 480536, MedGen C4310719, MONDO:0044300, OMIM 617100.

gnomAD v4.1: 1 of 1,614,104 alleles (0.000062%); highest among the groups gnomAD compares: Admixed American, 0.0017%; no homozygotes.

Submission:

Myriad Genetics, Inc.
Classification: Pathogenic for Familial adenomatous polyposis 4. Last evaluated: 2023-08-29. Review status: criteria provided, single submitter. Criteria: Myriad Autosomal Dominant, Autosomal Recessive and X-Linked Classification Criteria (2023). Collection method: clinical testing. Allele origin: unknown.
Comment: This variant is considered pathogenic. This variant creates a termination codon and is predicted to result in premature protein truncation.

NM_002439.5(MSH3):c.971C>G (p.Ser324Ter)

Genes: MSH3 (mutS homolog 3; plus strand), LOC126807437 (MED14-independent group 3 enhancer GRCh37_chr5:79968379-79969578; plus strand). Cytogenetic location: 5q14.1.
Variant type: single nucleotide variant.
Coding change: c.971C>G on transcript NM_002439.5 (MANE Select); coding-DNA position 971, C replaced by G.
Protein change: p.Ser324Ter; replaces serine 324 with a stop codon.
Molecular consequence: nonsense.
Genome position (GRCh38, 1-based): chr5:80,672,802, C>G. VCF-style: chr5-80672802-C-G. GRCh37 (hg19) VCF-style: chr5-79968621-C-G.
Other names: short protein forms S324*.
Identifiers: ClinVar variation 2673501 (VCV002673501.1), dbSNP rs887040509, ClinGen allele CA360267450.